The following is an entry in ClinVar:

NM_007294.4(BRCA1):c.4066del (p.Gln1356fs)

Genes: BRCA1 (BRCA1 DNA repair associated; minus strand), LOC126862571 (BRD4-independent group 4 enhancer GRCh37_chr17:41243136-41244335; plus strand). Cytogenetic location: 17q21.31.
Variant type: Deletion.
Coding change: c.4066del on transcript NM_007294.4 (MANE Select); coding-DNA position 4066, one base deleted (C; older notation c.4066delC).
Protein change: p.Gln1356fs; shifts the reading frame from glutamine 1356.
Molecular consequence: frameshift variant. On other transcripts: intron variant (135).
Genome position (GRCh38, 1-based): chr17:43,091,465, G deleted on the plus strand (C on the coding strand, the reverse complement: BRCA1 is on the minus strand). VCF-style (leftmost placement, unchanged base first): chr17-43091464-TG-T. GRCh37 (hg19) VCF-style: chr17-41243481-TG-T.
Other names: 4185delC-ter1365; c.3925del, p.Gln1309fs (NM_001407726.1, NM_001407727.1, NM_001407728.1 and 29 more transcripts); c.3922del, p.Gln1308fs (NM_001407740.1, NM_001407741.1, NM_001407742.1 and 20 more transcripts); c.3853del, p.Gln1285fs (NM_001407853.1, NM_001407894.1, NM_001407895.1 and 9 more transcripts); c.4066del, p.Gln1356fs (NM_001407854.1, NM_001407858.1, NM_001407859.1 and 30 more transcripts); c.4063del, p.Gln1355fs (NM_001407860.1, NM_001407861.1, NM_001407587.1 and 22 more transcripts); c.3865del, p.Gln1289fs (NM_001407862.1); c.3943del, p.Gln1315fs (NM_001407863.1, NM_001407919.1, NM_001407937.1 and 19 more transcripts); and 43 more; short protein forms Q1356fs, Q1309fs, Q1188fs, Q1228fs, Q1245fs, Q1315fs, Q1268fs, Q1285fs.
Identifiers: ClinVar variation 266436 (VCV000266436.6), dbSNP rs886040194, ClinGen allele CA10589698.

ClinVar aggregate classification (germline): Pathogenic. Review status: reviewed by expert panel (3 of 4 stars). 2 submissions from 2 submitters: Pathogenic (1). 1 of the submissions does not count toward it. Last evaluated 2016-10-18.

Conditions:
Breast-ovarian cancer, familial, susceptibility to, 1 (BROVCA1). Also called: BRCA1 Hereditary Breast and Ovarian Cancer; OVARIAN CANCER, SUSCEPTIBILITY TO. Identifiers: Orphanet 145, MedGen C2676676, MONDO:0011450, OMIM 604370. Disease mechanism: loss of function.

Submissions (2):

Evidence-based Network for the Interpretation of Germline Mutant Alleles (ENIGMA)
Classification: Pathogenic for Breast-ovarian cancer, familial, susceptibility to, 1. Last evaluated: 2016-10-18. Review status: reviewed by expert panel. Criteria: ENIGMA BRCA1/2 Classification Criteria (2015). Collection method: curation. Allele origin: germline.
Comment: Variant allele predicted to encode a truncated non-functional protein.

Consortium of Investigators of Modifiers of BRCA1/2 (CIMBA), c/o University of Cambridge
Classification: Pathogenic for Breast-ovarian cancer, familial, susceptibility to, 1. Last evaluated: 2015-10-02. Review status: criteria provided, single submitter. Criteria: CIMBA Mutation Classification guidelines May 2016. Collection method: clinical testing. Allele origin: germline. Not counted in ClinVar's aggregate classification.